The following is an entry in ClinVar:

ClinVar aggregate classification (germline): Likely benign (1 of 4 stars; one submission).

Conditions:
Patent ductus arteriosus 3 (PDA3). Identifiers: MedGen C4310753, MONDO:0024266, OMIM 617039.

Submission:

Centre for Medical Genetics,  Mumbai
Classification: Likely benign for Patent ductus arteriosus 3. Last evaluated: 2026-03-09. Review status: criteria provided, single submitter. Criteria: ACMG Guidelines, 2015. Collection method: provider interpretation. Allele origin: germline. Inheritance: Autosomal dominant inheritance. Affected: no. Observed: 1 variant allele, 1 heterozygote.
Comment: The variant satisfies PM2 criteria; Extremely low frequency in gnomAD population databases. The variant satisfies BP3 criteria; In-frame deletions/insertions in a repetitive region with no known function. However, the variant satisfies BS2 criteria.

Literature cited by the submitters: PubMed 27181681.

NM_001136239.4(PRDM6):c.453TGG[4] (p.Gly158_Glu159insGly)

Gene: PRDM6 (PR/SET domain 6; plus strand). Cytogenetic location: 5q23.2.
Variant type: Microsatellite.
Coding change: c.453TGG[4] on transcript NM_001136239.4 (MANE Select); four copies in a row of the 3-base unit TGG starting at c.453; the reference has three copies in a row; one copy, 3 bases duplicated; also written c.459_461dup.
Protein change: p.Gly158_Glu159insGly.
Genome position (GRCh38, 1-based): chr5:123,090,473-123,090,475, TGG duplicated; duplicating any 3 consecutive bases within chr5:123,090,465-123,090,475 gives the same sequence; the position shown is the placement nearest the transcript's 3' end. VCF-style (leftmost placement, unchanged base first): chr5-123090464-C-CGGT. GRCh37 (hg19) VCF-style: chr5-122426159-C-CGGT.
Other names: c.459_461dup (NM_001136239.4).
Identifiers: ClinVar variation 4819410 (VCV004819410.1).
Genomic context (GRCh38, chr5:123,090,464, plus strand): 5'-GCCGCTGCCCCCCAAGGAACTGTGCCTCGGCGCCACCTCCGGCCCCGGGCCCGTCAAGTG[C>CGGT]GGTGGTGGTGGCGGCGGCGGCGGGGAGGGTCGCGGCGCCCCGCGCTTCCGCTGCAGCGCA-3'